The following is an entry in ClinVar:

ClinVar aggregate classification (germline): Benign/Likely benign. Review status: criteria provided, multiple submitters, no conflicts (2 of 4 stars). 11 submissions from 10 submitters: Benign (9); Likely benign (2). Last evaluated 2026-02-03.

Conditions:
Familial hypobetalipoproteinemia 1. Also called: Hypobetalipoproteinemia, normotriglyceridemic; Acanthocytosis with hypobetalipoproteinemia; APOB-Related Familial Hypobetalipoproteinemia. Identifiers: MedGen C4551990, MONDO:0014252, OMIM 615558.
Hypercholesterolemia, autosomal dominant, type B (FHCL2). Also called: Familial Hypercholesterolemia Type B; APOB-Related Familial Hypercholesterolemia, Autosomal Dominant; Hyperlipoproteinemia Type IIb; Familial hypercholesterolemia 2; APOLIPOPROTEIN B-100, FAMILIAL DEFECTIVE; APOLIPOPROTEIN B-100, FAMILIAL LIGAND-DEFECTIVE. Identifiers: MedGen C1704417, MONDO:0007751, OMIM 144010.
Familial hypercholesterolemia. Also called: Familial hypercholesterolemias; Familial hypercholesterolaemia. Identifiers: MedGen C0020445, MONDO:0005439.
Hypercholesterolemia, familial, 1. Also called: LDL RECEPTOR DISORDER; Hyperlipoproteinemia Type IIa; HYPER-LOW-DENSITY-LIPOPROTEINEMIA; HYPERCHOLESTEROLEMIC XANTHOMATOSIS, FAMILIAL; Fredrickson type IIa hyperlipoproteinemia; Hyperlipoproteinemia type 2. Identifiers: Orphanet 391665, MedGen C0745103, MONDO:0007750, OMIM 143890.

Allele frequency attached by ClinVar (database versions not stated): ExAC 0.00484; ESP Exome Variant Server 0.01492; gnomAD exomes 0.00144 and 0.00399; gnomAD 0.01523 and 0.01624; TOPMed 0.01650; 1000 Genomes Project 0.02216; 1000 Genomes Project 30x 0.02389.

Submissions (11):

Labcorp Genetics (formerly Invitae), Labcorp
Classification: Benign for Familial hypobetalipoproteinemia 1; Hypercholesterolemia, autosomal dominant, type B. Last evaluated: 2026-02-03. Review status: criteria provided, single submitter. Criteria: Invitae Variant Classification Sherloc (09022015). Collection method: clinical testing. Allele origin: germline.

Molecular Diagnostic Laboratory for Inherited Cardiovascular Disease, Montreal Heart Institute
Classification: Benign. Last evaluated: 2025-04-09. Review status: criteria provided, single submitter. Criteria: ACMG Guidelines, 2015. Collection method: clinical testing. Allele origin: germline. Affected: no.
Comment: BA1

ARUP Laboratories, Molecular Genetics and Genomics, ARUP Laboratories
Classification: Benign. Last evaluated: 2025-03-11. Review status: criteria provided, single submitter. Criteria: ARUP Molecular Germline Variant Investigation Process 2024. Collection method: clinical testing. Allele origin: germline.

Quest Diagnostics Nichols Institute San Juan Capistrano
Classification: Benign. Last evaluated: 2023-04-26. Review status: criteria provided, single submitter. Criteria: Quest Diagnostics criteria. Collection method: clinical testing. Allele origin: unknown.

GENinCode PLC
Classification: Benign for Familial hypercholesterolemia. Last evaluated: 2022-06-21. Review status: criteria provided, single submitter. Criteria: ACMG Guidelines, 2015. Collection method: clinical testing. Allele origin: germline.

Mayo Clinic Laboratories, Mayo Clinic
Classification: Benign. Last evaluated: 2019-08-30. Review status: criteria provided, single submitter. Criteria: ACMG Guidelines, 2015. Collection method: clinical testing. Allele origin: germline. Observed: 8 variant alleles.

Illumina Laboratory Services, Illumina
Classification: Likely benign for Familial hypobetalipoproteinemia 1. Last evaluated: 2018-01-12. Review status: criteria provided, single submitter. Criteria: ICSL Variant Classification Criteria 13 December 2019. Collection method: clinical testing. Allele origin: germline.
Comment: This variant was observed in the ICSL laboratory as part of a predisposition screen in an ostensibly healthy population. It had not been previously curated by ICSL or reported in the Human Gene Mutation Database (HGMD: prior to June 1st, 2018), and was therefore a candidate for classification through an automated scoring system. Utilizing variant allele frequency, disease prevalence and penetrance estimates, and inheritance mode, an automated score was calculated to assess if this variant is too frequent to cause the disease. Based on the score and internal cut-off values, a variant classified as likely benign is not then subjected to further curation. The score for this variant resulted in a classification of likely benign for this disease.

Illumina Laboratory Services, Illumina
Classification: Benign for Hypercholesterolemia, autosomal dominant, type B. Last evaluated: 2018-01-12. Review status: criteria provided, single submitter. Criteria: ICSL Variant Classification Criteria 13 December 2019. Collection method: clinical testing. Allele origin: germline.
Comment: This variant was observed in the ICSL laboratory as part of a predisposition screen in an ostensibly healthy population. It had not been previously curated by ICSL or reported in the Human Gene Mutation Database (HGMD: prior to June 1st, 2018), and was therefore a candidate for classification through an automated scoring system. Utilizing variant allele frequency, disease prevalence and penetrance estimates, and inheritance mode, an automated score was calculated to assess if this variant is too frequent to cause the disease. Based on the score and internal cut-off values, a variant classified as benign is not then subjected to further curation. The score for this variant resulted in a classification of benign for this disease.

GeneDx
Classification: Benign. Last evaluated: 2018-01-04. Review status: criteria provided, single submitter. Criteria: GeneDx Variant Classification (06012015). Collection method: clinical testing. Allele origin: germline. Affected: yes.
Comment: This variant is considered likely benign or benign based on one or more of the following criteria: it is a conservative change, it occurs at a poorly conserved position in the protein, it is predicted to be benign by multiple in silico algorithms, and/or has population frequency not consistent with disease.

Robarts Research Institute, Western University
Classification: Likely benign for Hypercholesterolemia, familial, 1. Last evaluated: 2018-01-02. Review status: criteria provided, single submitter. Criteria: ACMG Guidelines, 2015. Collection method: clinical testing. Allele origin: germline. Inheritance: Autosomal dominant inheritance. Affected: yes.

PreventionGenetics, part of Exact Sciences
Classification: Benign. Review status: criteria provided, single submitter. Criteria: ACMG Guidelines, 2015. Collection method: clinical testing. Allele origin: germline.

NM_000384.3(APOB):c.3509-10G>A

Gene: APOB (apolipoprotein B; minus strand). Cytogenetic location: 2p24.1.
Variant type: single nucleotide variant.
Coding change: c.3509-10G>A on transcript NM_000384.3 (MANE Select); 10 bases into the intron before coding-DNA position 3509, G replaced by A.
Molecular consequence: intron variant.
Genome position (GRCh38, 1-based): chr2:21,015,270, C>T on the plus strand (G>A on the coding strand, the complement: APOB is on the minus strand). VCF-style: chr2-21015270-C-T. GRCh37 (hg19) VCF-style: chr2-21238142-C-T.
Other names: p.?.
Identifiers: ClinVar variation 255984 (VCV000255984.35), dbSNP rs12720770, ClinGen allele CA059055.
Genomic context (GRCh38, chr2:21,015,270, plus strand): 5'-TGGTATCTACATTGGTGCCTGTGTTCCATTCAAATTCAATCTTCTCTTCATCTGAAAATA[C>T]GTAGGAAATAGTTGTGAATGGTACTAGTTCAGCCTGTAACCACAGGTCTCAACACCTGCA-3'